The following is an entry in ClinVar:

NM_001130823.3(DNMT1):c.2837G>T (p.Gly946Val)

Gene: DNMT1 (DNA methyltransferase 1; minus strand). Cytogenetic location: 19p13.2.
Variant type: single nucleotide variant.
Coding change: c.2837G>T on transcript NM_001130823.3 (MANE Select); coding-DNA position 2837, G replaced by T.
Protein change: p.Gly946Val; replaces glycine 946 with valine.
Molecular consequence: missense variant.
Genome position (GRCh38, 1-based): chr19:10,146,408, C>A on the plus strand (G>T on the coding strand, the complement: DNMT1 is on the minus strand). VCF-style: chr19-10146408-C-A. GRCh37 (hg19) VCF-style: chr19-10257084-C-A.
Other names: c.2789G>T, p.Gly930Val (NM_001318730.2, NM_001379.4); c.2474G>T, p.Gly825Val (NM_001318731.2); short protein forms G825V, G930V, G946V.
Identifiers: ClinVar variation 3368603 (VCV003368603.1).

ClinVar aggregate classification (germline): Uncertain significance (1 of 4 stars; one submission).

gnomAD v4.1: 1 of 1,613,996 alleles (0.000062%); highest among the groups gnomAD compares: African/African-American, 0.0013%; no homozygotes.

Submission:

GeneDx
Classification: Uncertain significance. Last evaluated: 2024-02-02. Review status: criteria provided, single submitter. Criteria: GeneDx Variant Classification Process June 2021. Collection method: clinical testing. Allele origin: germline. Affected: yes.
Comment: Not observed at significant frequency in large population cohorts (gnomAD); In silico analysis supports that this missense variant has a deleterious effect on protein structure/function; Has not been previously published as pathogenic or benign to our knowledge